The following is an entry in ClinVar:

NM_016222.4(DDX41):c.-5A>C

Gene: DDX41 (DEAD-box helicase 41; minus strand). Cytogenetic location: 5q35.3.
Variant type: single nucleotide variant.
Coding change: c.-5A>C on transcript NM_016222.4 (MANE Select); 5 bases upstream of the start codon, A replaced by C.
Molecular consequence: 5 prime UTR variant.
Genome position (GRCh38, 1-based): chr5:177,516,950, T>G on the plus strand (A>C on the coding strand, the complement: DDX41 is on the minus strand). VCF-style: chr5-177516950-T-G. GRCh37 (hg19) VCF-style: chr5-176943951-T-G.
Other names: c.-660A>C (NM_001321732.2); c.-452A>C (NM_001321830.2).
Identifiers: ClinVar variation 4010359 (VCV004010359.1).

ClinVar aggregate classification (germline): Uncertain significance (1 of 4 stars; one submission).

Conditions:
Inborn genetic diseases. Identifiers: MedGen C0950123, MeSH D030342.

gnomAD v4.1: 1 of 1,610,918 alleles (0.000062%); highest among the groups gnomAD compares: Admixed American, 0.0017%; no homozygotes.

Submission:

Ambry Genetics
Classification: Uncertain significance for Inborn genetic diseases. Last evaluated: 2025-05-25. Review status: criteria provided, single submitter. Criteria: Ambry Variant Classification Scheme 2023. Collection method: clinical testing. Allele origin: germline.
Comment: The c.-5A>C variant is located in the 5' untranslated region (5&rsquo; UTR) of the DDX41 gene. This variant results from an A to C substitution 5 bases upstream from the first translated codon. This nucleotide position is not well conserved in available vertebrate species. Based on the available evidence, the clinical significance of this variant remains unclear.